The following is an entry in ClinVar:

NM_006721.4(ADK):c.938A>G (p.Asn313Ser)

Gene: ADK (adenosine kinase; plus strand). Cytogenetic location: 10q22.2.
Variant type: single nucleotide variant.
Coding change: c.938A>G on transcript NM_006721.4 (MANE Select); coding-DNA position 938, A replaced by G.
Protein change: p.Asn313Ser; replaces asparagine 313 with serine.
Molecular consequence: missense variant.
Genome position (GRCh38, 1-based): chr10:74,670,243, A>G. VCF-style: chr10-74670243-A-G. GRCh37 (hg19) VCF-style: chr10-76430001-A-G.
Other names: c.887A>G, p.Asn296Ser (NM_001123.4); c.833A>G, p.Asn278Ser (NM_001202449.2); c.767A>G, p.Asn256Ser (NM_001202450.2); c.823A>G, p.Met275Val (NM_001369123.1); c.716A>G, p.Asn239Ser (NM_001369124.1); short protein forms N256S, N239S, N313S, N278S, M275V, N296S.
Identifiers: ClinVar variation 1399277 (VCV001399277.3), dbSNP rs150113467, ClinGen allele CA5564113.

ClinVar aggregate classification (germline): Uncertain significance (1 of 4 stars; one submission).

Allele frequency attached by ClinVar (database versions not stated): TOPMed 0.00011; gnomAD exomes 0.00012 and 0.00013; ESP Exome Variant Server 0.00015; 1000 Genomes Project 30x 0.00016; ExAC 0.00017; gnomAD 0.00017 and 0.00019; 1000 Genomes Project 0.00020.
gnomAD v4.1: 203 of 1,613,868 alleles (0.013%); highest among the groups gnomAD compares: Non-Finnish European, 0.013%; no homozygotes.

Submission:

Labcorp Genetics (formerly Invitae), Labcorp
Classification: Uncertain significance. Last evaluated: 2022-11-01. Review status: criteria provided, single submitter. Criteria: Invitae Variant Classification Sherloc (09022015). Collection method: clinical testing. Allele origin: germline.
Comment: This sequence change replaces asparagine, which is neutral and polar, with serine, which is neutral and polar, at codon 296 of the ADK protein (p.Asn296Ser). This variant is present in population databases (rs150113467, gnomAD 0.02%). This variant has not been reported in the literature in individuals affected with ADK-related conditions. ClinVar contains an entry for this variant (Variation ID: 1399277). Advanced modeling of protein sequence and biophysical properties (such as structural, functional, and spatial information, amino acid conservation, physicochemical variation, residue mobility, and thermodynamic stability) performed at Invitae indicates that this missense variant is expected to disrupt ADK protein function. In summary, the available evidence is currently insufficient to determine the role of this variant in disease. Therefore, it has been classified as a Variant of Uncertain Significance.